The following is an entry in ClinVar:

NM_004360.5(CDH1):c.-21G>C

Genes: CDH1 (cadherin 1; plus strand), LOC130059290 (ATAC-STARR-seq lymphoblastoid silent region 7650; plus strand). Cytogenetic location: 16q22.1.
Variant type: single nucleotide variant.
Coding change: c.-21G>C on transcript NM_004360.5 (MANE Select); 21 bases upstream of the start codon, G replaced by C.
Molecular consequence: 5 prime UTR variant.
Genome position (GRCh38, 1-based): chr16:68,737,395, G>C. VCF-style: chr16-68737395-G-C. GRCh37 (hg19) VCF-style: chr16-68771298-G-C.
Other names: c.-21G>C (LRG_301t1, NM_001317184.2); c.-1636G>C (NM_001317185.2); c.-1840G>C (NM_001317186.2).
Identifiers: ClinVar variation 379857 (VCV000379857.3), dbSNP rs901086196, ClinGen allele CA16607327.

ClinVar aggregate classification (germline): Likely benign. Review status: criteria provided, multiple submitters, no conflicts (2 of 4 stars). 2 submissions from 2 submitters: Likely benign (2). Last evaluated 2025-03-04.

Allele frequency attached by ClinVar (database versions not stated): gnomAD exomes below 0.00001; gnomAD 0.00001.
gnomAD v4.1: 2 of 1,529,884 alleles (0.00013%); highest among the groups gnomAD compares: Non-Finnish European, 0.00017%; no homozygotes.

Submissions (2):

Center for Genomic Medicine, Rigshospitalet, Copenhagen University Hospital
Classification: Likely benign. Last evaluated: 2025-03-04. Review status: criteria provided, single submitter. Criteria: ACMG Guidelines, 2015. Collection method: clinical testing. Allele origin: germline.

GeneDx
Classification: Likely benign. Last evaluated: 2017-11-06. Review status: criteria provided, single submitter. Criteria: GeneDx Variant Classification (06012015). Collection method: clinical testing. Allele origin: germline. Affected: yes.
Comment: This variant is considered likely benign or benign based on one or more of the following criteria: it is a conservative change, it occurs at a poorly conserved position in the protein, it is predicted to be benign by multiple in silico algorithms, and/or has population frequency not consistent with disease.